The following is an entry in ClinVar:

NM_004656.4(BAP1):c.660-4G>A

Gene: BAP1 (BRCA1 associated deubiquitinase 1; minus strand). Cytogenetic location: 3p21.1.
Variant type: single nucleotide variant.
Coding change: c.660-4G>A on transcript NM_004656.4 (MANE Select); 4 bases into the intron before coding-DNA position 660, G replaced by A.
Molecular consequence: intron variant.
Genome position (GRCh38, 1-based): chr3:52,406,380, C>T on the plus strand (G>A on the coding strand, the complement: BAP1 is on the minus strand). VCF-style: chr3-52406380-C-T. GRCh37 (hg19) VCF-style: chr3-52440396-C-T.
Other names: c.660-4G>A (LRG_529t1).
Identifiers: ClinVar variation 489640 (VCV000489640.15), dbSNP rs1360711033, ClinGen allele CA658683357.
Genomic context (GRCh38, chr3:52,406,380, plus strand): 5'-ATCCTGCGGTCGGGCACCACTGCCATCAGGTTGAAGCGGATGTCGTGGTAGGGCTCCCTG[C>T]AGTCACAGCCGCAGCCGTGAGAGCAGCTCCCGCCCCGGCCCCGCCATCAGGTTGAGGCAG-3'

ClinVar aggregate classification (germline): Conflicting classifications of pathogenicity. Review status: criteria provided, conflicting classifications (1 of 4 stars). 4 submissions from 4 submitters: Uncertain significance (2); Likely benign (2). Last evaluated 2024-07-15.

Conditions:
Hereditary cancer-predisposing syndrome. Also called: Hereditary Cancer Syndrome; Neoplastic Syndromes, Hereditary; Tumor predisposition; Hereditary neoplastic syndrome. Identifiers: Orphanet 140162, MedGen C0027672, MeSH D009386, MONDO:0015356.
BAP1-related tumor predisposition syndrome (TPDS1). Also called: Tumor susceptibility linked to germline BAP1 mutations; BAP1 tumor predisposition syndrome; COMMON Syndrome; TUMOR PREDISPOSITION SYNDROME 1. Identifiers: Orphanet 289539, MedGen C3280492, MONDO:0013692, OMIM 614327.

gnomAD v4.1: 1 of 1,612,826 alleles (0.000062%); highest among the groups gnomAD compares: Non-Finnish European, 0.000085%; no homozygotes.

Submissions (4):

Myriad Genetics, Inc.
Classification: Likely benign for BAP1-related tumor predisposition syndrome. Last evaluated: 2024-07-15. Review status: criteria provided, single submitter. Criteria: Myriad Autosomal Dominant, Autosomal Recessive and X-Linked Classification Criteria (2023). Collection method: clinical testing. Allele origin: unknown.
Comment: This variant is considered likely benign. This variant is intronic and is not expected to impact mRNA splicing.

Labcorp Genetics (formerly Invitae), Labcorp
Classification: Likely benign for BAP1-related tumor predisposition syndrome. Last evaluated: 2023-02-10. Review status: criteria provided, single submitter. Criteria: Invitae Variant Classification Sherloc (09022015). Collection method: clinical testing. Allele origin: germline.

Ambry Genetics
Classification: Uncertain significance for Hereditary cancer-predisposing syndrome. Last evaluated: 2021-06-07. Review status: criteria provided, single submitter. Criteria: Ambry Variant Classification Scheme 2023. Collection method: clinical testing. Allele origin: germline.
Comment: The c.660-4G>A intronic variant results from a G to A substitution 4 nucleotides upstream from coding exon 9 in the BAP1 gene. This nucleotide position is not well conserved in available vertebrate species. In silico splice site analysis predicts that this alteration will not have any significant effect on splicing. Since supporting evidence is limited at this time, the clinical significance of this alteration remains unclear.

Color Diagnostics, LLC DBA Color Health
Classification: Uncertain significance for Hereditary cancer-predisposing syndrome. Last evaluated: 2019-06-26. Review status: criteria provided, single submitter. Criteria: ACMG Guidelines, 2015. Collection method: clinical testing. Allele origin: germline.